The following is an entry in ClinVar:

NM_004714.3(DYRK1B):c.1659A>G (p.Pro553=)

Gene: DYRK1B (dual specificity tyrosine phosphorylation regulated kinase 1B; minus strand). Cytogenetic location: 19q13.2.
Variant type: single nucleotide variant.
Coding change: c.1659A>G on transcript NM_004714.3 (MANE Select); coding-DNA position 1659, A replaced by G.
Protein change: p.Pro553=; no amino-acid change (proline 553 retained).
Molecular consequence: synonymous variant.
Genome position (GRCh38, 1-based): chr19:39,825,946, T>C on the plus strand (A>G on the coding strand, the complement: DYRK1B is on the minus strand). VCF-style: chr19-39825946-T-C. GRCh37 (hg19) VCF-style: chr19-40316586-T-C.
Other names: c.1539A>G, p.Pro513= (NM_006483.3); c.1575A>G, p.Pro525= (NM_006484.3).
Identifiers: ClinVar variation 3351983 (VCV003351983.1).

ClinVar aggregate classification (germline): Likely benign (0 of 4 stars; one submission).

Conditions:
DYRK1B-related disorder. Also called: DYRK1B-related condition.

gnomAD v4.1: 24 of 1,467,450 alleles (0.0016%); highest among the groups gnomAD compares: Non-Finnish European, 0.0021%; no homozygotes.

Submission:

PreventionGenetics, part of Exact Sciences
Classification: Likely benign for DYRK1B-related condition. Last evaluated: 2023-08-30. Review status: no assertion criteria provided. Collection method: clinical testing. Allele origin: germline.
Comment: This variant is classified as likely benign based on ACMG/AMP sequence variant interpretation guidelines (Richards et al. 2015 PMID: 25741868, with internal and published modifications).